The following is an entry in ClinVar:

NM_005502.4(ABCA1):c.4698+7T>C

Gene: ABCA1 (ATP binding cassette subfamily A member 1; minus strand). Cytogenetic location: 9q31.1.
Variant type: single nucleotide variant.
Coding change: c.4698+7T>C on transcript NM_005502.4 (MANE Select); 7 bases into the intron after coding-DNA position 4698, T replaced by C.
Molecular consequence: intron variant.
Genome position (GRCh38, 1-based): chr9:104,802,047, A>G on the plus strand (T>C on the coding strand, the complement: ABCA1 is on the minus strand). VCF-style: chr9-104802047-A-G. GRCh37 (hg19) VCF-style: chr9-107564328-A-G.
Other names: p.?.
Identifiers: ClinVar variation 364399 (VCV000364399.15), dbSNP rs41415046, ClinGen allele CA5168059.

ClinVar aggregate classification (germline): Benign/Likely benign. Review status: criteria provided, multiple submitters, no conflicts (2 of 4 stars). 6 submissions from 5 submitters: Benign (5); Likely benign (1). Last evaluated 2026-01-26.

Conditions:
ABCA1-related disorder. Also called: ABCA1-related condition; ABCA1-related disorders. Identifiers: MedGen CN239173.
Hypoalphalipoproteinemia, primary, 1. Identifiers: Orphanet 425, MedGen C5231558, MONDO:0011393, OMIM 604091.
Tangier disease (TGD). Also called: Cholesterol thesaurismosis; HIGH DENSITY LIPOPROTEIN DEFICIENCY, TANGIER TYPE; HIGH DENSITY LIPOPROTEIN DEFICIENCY, TYPE 1. Identifiers: Orphanet 31150, MedGen C0039292, MONDO:0008783, OMIM 205400.

Allele frequency attached by ClinVar (database versions not stated): gnomAD exomes 0.00041 and 0.00144; gnomAD 0.00052 and 0.00066; TOPMed 0.00078; ExAC 0.00129; 1000 Genomes Project 30x 0.00344; 1000 Genomes Project 0.00399.
gnomAD v4.1: 743 of 1,613,734 alleles (0.046%); highest among the groups gnomAD compares: East Asian, 1.5%; 3 homozygotes.

Submissions (6):

Labcorp Genetics (formerly Invitae), Labcorp
Classification: Benign. Last evaluated: 2026-01-26. Review status: criteria provided, single submitter. Criteria: Invitae Variant Classification Sherloc (09022015). Collection method: clinical testing. Allele origin: germline.

Mayo Clinic Laboratories, Mayo Clinic
Classification: Benign. Last evaluated: 2025-04-22. Review status: criteria provided, single submitter. Criteria: ACMG Guidelines, 2015. Collection method: clinical testing. Allele origin: germline. Observed: 1 variant allele.
Comment: BS1, BS2, BP4, BP7

PreventionGenetics, part of Exact Sciences
Classification: Benign for ABCA1-related condition. Last evaluated: 2025-03-13. Review status: criteria provided, single submitter. Criteria: ACMG Guidelines, 2015. Collection method: clinical testing. Allele origin: germline.
Comment: This variant is classified as benign based on ACMG/AMP sequence variant interpretation guidelines (Richards et al. 2015 PMID: 25741868, with internal and published modifications).

Blueprint Genetics
Classification: Likely benign. Last evaluated: 2024-11-06. Review status: criteria provided, single submitter. Criteria: ACMG Guidelines, 2015. Collection method: clinical testing. Allele origin: germline.

Illumina Laboratory Services, Illumina
Classification: Benign for Tangier disease. Last evaluated: 2018-01-13. Review status: criteria provided, single submitter. Criteria: ICSL Variant Classification Criteria 13 December 2019. Collection method: clinical testing. Allele origin: germline.
Comment: This variant was observed in the ICSL laboratory as part of a predisposition screen in an ostensibly healthy population. It had not been previously curated by ICSL or reported in the Human Gene Mutation Database (HGMD: prior to June 1st, 2018), and was therefore a candidate for classification through an automated scoring system. Utilizing variant allele frequency, disease prevalence and penetrance estimates, and inheritance mode, an automated score was calculated to assess if this variant is too frequent to cause the disease. Based on the score and internal cut-off values, a variant classified as benign is not then subjected to further curation. The score for this variant resulted in a classification of benign for this disease.

Illumina Laboratory Services, Illumina
Classification: Benign for Hypoalphalipoproteinemia, primary, 1. Last evaluated: 2018-01-13. Review status: criteria provided, single submitter. Criteria: ICSL Variant Classification Criteria 13 December 2019. Collection method: clinical testing. Allele origin: germline.
Comment: the same text as in the submission from Illumina Laboratory Services, Illumina above.